The following is an entry in ClinVar:

ClinVar aggregate classification (germline): Uncertain significance (1 of 4 stars; one submission).

Submission:

Labcorp Genetics (formerly Invitae), Labcorp
Classification: Uncertain significance. Last evaluated: 2024-12-19. Review status: criteria provided, single submitter. Criteria: Invitae Variant Classification Sherloc (09022015). Collection method: clinical testing. Allele origin: germline.
Comment: This sequence change replaces methionine, which is neutral and non-polar, with isoleucine, which is neutral and non-polar, at codon 881 of the POLR1A protein (p.Met881Ile). This variant is not present in population databases (gnomAD no frequency). This variant has not been reported in the literature in individuals affected with POLR1A-related conditions. Invitae Evidence Modeling of protein sequence and biophysical properties (such as structural, functional, and spatial information, amino acid conservation, physicochemical variation, residue mobility, and thermodynamic stability) indicates that this missense variant is not expected to disrupt POLR1A protein function with a negative predictive value of 80%. In summary, the available evidence is currently insufficient to determine the role of this variant in disease. Therefore, it has been classified as a Variant of Uncertain Significance.

NM_015425.6(POLR1A):c.2643G>T (p.Met881Ile)

Gene: POLR1A (RNA polymerase I subunit A; minus strand). Cytogenetic location: 2p11.2.
Variant type: single nucleotide variant.
Coding change: c.2643G>T on transcript NM_015425.6 (MANE Select); coding-DNA position 2643, G replaced by T.
Protein change: p.Met881Ile; replaces methionine 881 with isoleucine.
Molecular consequence: missense variant.
Genome position (GRCh38, 1-based): chr2:86,047,255, C>A on the plus strand (G>T on the coding strand, the complement: POLR1A is on the minus strand). VCF-style: chr2-86047255-C-A. GRCh37 (hg19) VCF-style: chr2-86274378-C-A.
Other names: short protein forms M881I.
Identifiers: ClinVar variation 3610175 (VCV003610175.2).